The following is an entry in ClinVar:

ClinVar aggregate classification (germline): Uncertain significance. Review status: criteria provided, single submitter (1 of 4 stars). 2 submissions from 2 submitters: Uncertain significance (1). 1 of the submissions does not count toward it. Last evaluated 2023-06-17.

Conditions:
Familial long QT syndrome (RWS). Also called: Congenital long QT syndrome; Romano-Ward syndrome; VENTRICULAR FIBRILLATION WITH PROLONGED QT INTERVAL. Identifiers: Orphanet 768, MedGen C1141890, MONDO:0019171.
Long QT syndrome (LQTS). Identifiers: MedGen C0023976, MeSH D008133, MONDO:0002442. Disease mechanism: loss of function. Inheritance: Various modes of inheritance.

Submissions (2):

Labcorp Genetics (formerly Invitae), Labcorp
Classification: Uncertain significance for Long QT syndrome. Last evaluated: 2023-06-17. Review status: criteria provided, single submitter. Criteria: Invitae Variant Classification Sherloc (09022015). Collection method: clinical testing. Allele origin: germline.
Comment: This missense change has been observed in individuals with long QT syndrome (PMID: 22949429; Invitae). ClinVar contains an entry for this variant (Variation ID: 67356). An algorithm developed to predict the effect of missense changes on protein structure and function (PolyPhen-2) suggests that this variant is likely to be disruptive. In summary, the available evidence is currently insufficient to determine the role of this variant in disease. Therefore, it has been classified as a Variant of Uncertain Significance. This variant is not present in population databases (gnomAD no frequency). This sequence change replaces leucine, which is neutral and non-polar, with proline, which is neutral and non-polar, at codon 678 of the KCNH2 protein (p.Leu678Pro).

Cardiovascular Biomedical Research Unit, Royal Brompton & Harefield NHS Foundation Trust
No classification provided. Condition: Familial long QT syndrome. Review status: no classification provided. Collection method: literature only. Allele origin: germline. Not counted in ClinVar's aggregate classification.
Comment: This variant has been reported as associated with Long QT syndrome in the following publications (PMID:19716085;PMID:19841300). This is a literature report, and does not necessarily reflect the clinical interpretation of the Imperial College / Royal Brompton Cardiovascular Genetics laboratory.

Literature cited by the submitters: PubMed 22949429 (cited by Labcorp Genetics (formerly Invitae), Labcorp); PubMed 19716085 (cited by Cardiovascular Biomedical Research Unit, Royal Brompton & Harefield NHS Foundation Trust); PubMed 19841300 (cited by Cardiovascular Biomedical Research Unit, Royal Brompton & Harefield NHS Foundation Trust); PubMed 22581653 (cited by Cardiovascular Biomedical Research Unit, Royal Brompton & Harefield NHS Foundation Trust).

NM_000238.4(KCNH2):c.2033T>C (p.Leu678Pro)

Gene: KCNH2 (potassium voltage-gated channel subfamily H member 2; minus strand). Cytogenetic location: 7q36.1.
Variant type: single nucleotide variant.
Coding change: c.2033T>C on transcript NM_000238.4 (MANE Select); coding-DNA position 2033, T replaced by C.
Protein change: p.Leu678Pro; replaces leucine 678 with proline.
Molecular consequence: missense variant.
Genome position (GRCh38, 1-based): chr7:150,951,033, A>G on the plus strand (T>C on the coding strand, the complement: KCNH2 is on the minus strand). VCF-style: chr7-150951033-A-G. GRCh37 (hg19) VCF-style: chr7-150648121-A-G.
Other names: c.2033T>C (LRG_288t1); c.1013T>C, p.Leu338Pro (NM_001204798.2, NM_172057.3); c.1745T>C, p.Leu582Pro (NM_001406753.1, NM_001406756.1); c.1856T>C, p.Leu619Pro (NM_001406755.1); c.1733T>C, p.Leu578Pro (NM_001406757.1); c.2033T>C, p.Leu678Pro (NM_172056.3); short protein forms L338P, L678P, L619P, L578P, L582P.
Identifiers: ClinVar variation 67356 (VCV000067356.7), dbSNP rs199472981, ClinGen allele CA006169.